The following is an entry in ClinVar:

ClinVar aggregate classification (germline): Uncertain significance (1 of 4 stars; one submission).

Submission:

Ambry Genetics
Classification: Uncertain significance. Last evaluated: 2024-10-06. Review status: criteria provided, single submitter. Criteria: Ambry Variant Classification Scheme 2023. Collection method: clinical testing. Allele origin: germline.
Comment: The p.I943V variant (also known as c.2827A>G), located in coding exon 16 of the POLQ gene, results from an A to G substitution at nucleotide position 2827. The isoleucine at codon 943 is replaced by valine, an amino acid with highly similar properties. This amino acid position is conserved. In addition, this alteration is predicted to be tolerated by in silico analysis. Since supporting evidence is limited at this time, the clinical significance of this alteration remains unclear.

NM_199420.4(POLQ):c.2827A>G (p.Ile943Val)

Gene: POLQ (DNA polymerase theta; minus strand). Cytogenetic location: 3q13.33.
Variant type: single nucleotide variant.
Coding change: c.2827A>G on transcript NM_199420.4 (MANE Select); coding-DNA position 2827, A replaced by G.
Protein change: p.Ile943Val; replaces isoleucine 943 with valine.
Molecular consequence: missense variant.
Genome position (GRCh38, 1-based): chr3:121,490,104, T>C on the plus strand (A>G on the coding strand, the complement: POLQ is on the minus strand). VCF-style: chr3-121490104-T-C. GRCh37 (hg19) VCF-style: chr3-121208951-T-C.
Other names: short protein forms I943V.
Identifiers: ClinVar variation 1796507 (VCV001796507.3), dbSNP rs201658749, ClinGen allele CA81836792.